The following is an entry in ClinVar:

NM_000535.7(PMS2):c.46A>G (p.Lys16Glu)

Gene: PMS2 (PMS1 homolog 2, mismatch repair system component; minus strand). Cytogenetic location: 7p22.1.
Variant type: single nucleotide variant.
Coding change: c.46A>G on transcript NM_000535.7 (MANE Select); coding-DNA position 46, A replaced by G.
Protein change: p.Lys16Glu; replaces lysine 16 with glutamic acid.
Molecular consequence: missense variant. On other transcripts: 5 prime UTR variant (8), non-coding transcript variant (1), intron variant (3).
Genome position (GRCh38, 1-based): chr7:6,006,009, T>C on the plus strand (A>G on the coding strand, the complement: PMS2 is on the minus strand). VCF-style: chr7-6006009-T-C. GRCh37 (hg19) VCF-style: chr7-6045640-T-C.
Other names: c.-360A>G (NM_001322003.2, NM_001322005.2, NM_001322009.2 and 1 more transcripts); c.46A>G, p.Lys16Glu (NM_001322006.2, NM_001322014.2); c.-170A>G (NM_001322007.2); c.-839A>G (NM_001322011.2, NM_001322012.2); c.-439A>G (NM_001322015.2); c.-52-1951A>G (NM_001322008.2); c.-242-1951A>G (NM_001322010.2, NM_001322004.2); short protein forms K16E.
Identifiers: ClinVar variation 232676 (VCV000232676.27), dbSNP rs777845808, ClinGen allele CA049915.

ClinVar aggregate classification (germline): Uncertain significance. Review status: criteria provided, multiple submitters, no conflicts (2 of 4 stars). 7 submissions from 7 submitters: Uncertain significance (7). Last evaluated 2025-11-15.

Conditions:
Hereditary nonpolyposis colorectal neoplasms. Identifiers: MedGen C0009405, MeSH D003123.
Hereditary cancer-predisposing syndrome. Also called: Neoplastic Syndromes, Hereditary; Tumor predisposition; Hereditary Cancer Syndrome; Hereditary neoplastic syndrome. Identifiers: Orphanet 140162, MedGen C0027672, MeSH D009386, MONDO:0015356.
Lynch syndrome. Identifiers: Orphanet 144, MedGen C4552100, MONDO:0005835. Disease mechanism: loss of function.

Allele frequency attached by ClinVar (database versions not stated): gnomAD 0.00001; gnomAD exomes 0.00001; TOPMed 0.00001; ExAC 0.00003.
gnomAD v4.1: 4 of 1,610,658 alleles (0.00025%); highest among the groups gnomAD compares: East Asian, 0.0089%; no homozygotes.

Submissions (7):

Labcorp Genetics (formerly Invitae), Labcorp
Classification: Uncertain significance for Hereditary nonpolyposis colorectal neoplasms. Last evaluated: 2025-11-15. Review status: criteria provided, single submitter. Criteria: Invitae Variant Classification Sherloc (09022015). Collection method: clinical testing. Allele origin: germline.
Comment: This sequence change replaces lysine, which is basic and polar, with glutamic acid, which is acidic and polar, at codon 16 of the PMS2 protein (p.Lys16Glu). This variant is present in population databases (rs777845808, gnomAD 0.02%). This missense change has been observed in individual(s) with clinical features of PMS2-related conditions (PMID: 31159747, 36627197). ClinVar contains an entry for this variant (Variation ID: 232676). Invitae Evidence Modeling incorporating data from in vitro experimental studies (internal data) indicates that this missense variant is not expected to disrupt PMS2 function with a negative predictive value of 95%. In summary, the available evidence is currently insufficient to determine the role of this variant in disease. Therefore, it has been classified as a Variant of Uncertain Significance.

Ambry Genetics
Classification: Uncertain significance for Hereditary cancer-predisposing syndrome. Last evaluated: 2025-04-17. Review status: criteria provided, single submitter. Criteria: Ambry Variant Classification Scheme 2023. Collection method: clinical testing. Allele origin: germline.
Comment: The p.K16E variant (also known as c.46A>G), located in coding exon 2 of the PMS2 gene, results from an A to G substitution at nucleotide position 46. The lysine at codon 16 is replaced by glutamic acid, an amino acid with similar properties. This alteration was detected once in a study of 1,165 individuals with a history of colorectal cancer or colon polyps as well as 590 controls (Gordon AS et al. Am J Hum Genet, 2019 09;105:526-533). This amino acid position is not well conserved in available vertebrate species. In addition, the in silico prediction for this alteration is inconclusive. Based on the available evidence, the clinical significance of this variant remains unclear.

All of Us Research Program, National Institutes of Health
Classification: Uncertain significance for Lynch syndrome. Last evaluated: 2024-07-10. Review status: criteria provided, single submitter. Criteria: ACMG Guidelines, 2015. Collection method: clinical testing. Allele origin: germline. Inheritance: Autosomal dominant inheritance. Observed: 3 variant alleles, 3 heterozygotes.
Comment: This missense variant replaces lysine with glutamic acid at codon 16 of the PMS2 protein. Computational prediction is inconclusive regarding the impact of this variant on protein structure and function (internally defined REVEL score threshold 0.5 < inconclusive < 0.7, PMID: 27666373). To our knowledge, functional studies have not been reported for this variant. This variant has been reported in an individual affected with gastric cancer (PMID: 36627197). This variant has been identified in an individual undergoing genetic testing for hereditary cancer (PMID: 31159747). This variant has been identified in 3/245504 chromosomes in the general population by the Genome Aggregation Database (gnomAD). The available evidence is insufficient to determine the role of this variant in disease conclusively. Therefore, this variant is classified as a Variant of Uncertain Significance.

This study involves interpretation of variants in research participants for the purpose of population health screening. Participant phenotype was not available at the time of variant classification. Additional details can be found in publication PMID: 35346344, PMCID: PMC8962531

Color Diagnostics, LLC DBA Color Health
Classification: Uncertain significance for Hereditary cancer-predisposing syndrome. Last evaluated: 2024-04-18. Review status: criteria provided, single submitter. Criteria: ACMG Guidelines, 2015. Collection method: clinical testing. Allele origin: germline.
Comment: This missense variant replaces lysine with glutamic acid at codon 16 of the PMS2 protein. Computational prediction is inconclusive regarding the impact of this variant on protein structure and function (internally defined REVEL score threshold 0.5 < inconclusive < 0.7, PMID: 27666373). To our knowledge, functional studies have not been reported for this variant. This variant has been reported in an individual affected with gastric cancer (PMID: 36627197). This variant has been identified in an individual undergoing genetic testing for hereditary cancer (PMID: 31159747). This variant has been identified in 3/245504 chromosomes in the general population by the Genome Aggregation Database (gnomAD). The available evidence is insufficient to determine the role of this variant in disease conclusively. Therefore, this variant is classified as a Variant of Uncertain Significance.

GeneDx
Classification: Uncertain significance. Last evaluated: 2022-12-30. Review status: criteria provided, single submitter. Criteria: GeneDx Variant Classification Process June 2021. Collection method: clinical testing. Allele origin: germline. Affected: yes.
Comment: In silico analysis supports that this missense variant has a deleterious effect on protein structure/function; This variant is associated with the following publications: (PMID: 31159747, 11574484, 29684080, 31422818)

GeneKor MSA
Classification: Uncertain significance for Hereditary cancer-predisposing syndrome. Last evaluated: 2018-08-01. Review status: criteria provided, single submitter. Criteria: ACMG Guidelines, 2015. Collection method: clinical testing. Allele origin: germline. Affected: yes.

Laboratory for Molecular Medicine, Mass General Brigham Personalized Medicine
Classification: Uncertain significance. Last evaluated: 2017-03-20. Review status: criteria provided, single submitter. Criteria: LMM Criteria. Collection method: clinical testing. Allele origin: germline. Observed: 1 variant allele.
Comment: The p.Lys16Glu variant in PMS2 has not been previously reported in the literatur e individuals with Lynch syndrome, but has been reported in ClinVar (Variation I D 232676). It has also been identified in 3/17104 of East Asian chromosomes by t he Genome Aggregation Database (gnomAD; dbSNP rs777845808). Computational prediction tools and conservation analysis suggest t hat the p.Lys16Glu variant may not impact the protein, though this information i s not predictive enough to rule out pathogenicity. In summary, the clinical sign ificance of the p.Lys16Glu variant is uncertain.

Literature cited by the submitters: PubMed 31159747 (cited by 3 submitters); PubMed 36627197 (cited by 3 submitters); PubMed 31422818 (cited by Ambry Genetics).